The following is an entry in ClinVar:

ClinVar aggregate classification (germline): Uncertain significance. Review status: criteria provided, multiple submitters, no conflicts (2 of 4 stars). 3 submissions from 3 submitters: Uncertain significance (3). Last evaluated 2025-06-07.

Conditions:
Inborn genetic diseases. Identifiers: MedGen C0950123, MeSH D030342.

Allele frequency attached by ClinVar (database versions not stated): TOPMed below 0.00001; gnomAD exomes 0.00001.
gnomAD v4.1: 3 of 1,614,154 alleles (0.00019%); highest among the groups gnomAD compares: Non-Finnish European, 0.00025%; no homozygotes.

Submissions (3):

Ambry Genetics
Classification: Uncertain significance for Inborn genetic diseases. Last evaluated: 2025-06-07. Review status: criteria provided, single submitter. Criteria: Ambry Variant Classification Scheme 2023. Collection method: clinical testing. Allele origin: germline.

Labcorp Genetics (formerly Invitae), Labcorp
Classification: Uncertain significance. Last evaluated: 2023-12-14. Review status: criteria provided, single submitter. Criteria: Invitae Variant Classification Sherloc (09022015). Collection method: clinical testing. Allele origin: germline.
Comment: This sequence change replaces proline, which is neutral and non-polar, with leucine, which is neutral and non-polar, at codon 1040 of the ARID1B protein (p.Pro1040Leu). This variant is present in population databases (no rsID available, gnomAD 0.0009%). This variant has not been reported in the literature in individuals affected with ARID1B-related conditions. ClinVar contains an entry for this variant (Variation ID: 2443650). Advanced modeling of protein sequence and biophysical properties (such as structural, functional, and spatial information, amino acid conservation, physicochemical variation, residue mobility, and thermodynamic stability) has been performed at Invitae for this missense variant, however the output from this modeling did not meet the statistical confidence thresholds required to predict the impact of this variant on ARID1B protein function. In summary, the available evidence is currently insufficient to determine the role of this variant in disease. Therefore, it has been classified as a Variant of Uncertain Significance.

GeneDx
Classification: Uncertain significance. Last evaluated: 2022-09-08. Review status: criteria provided, single submitter. Criteria: GeneDx Variant Classification Process June 2021. Collection method: clinical testing. Allele origin: germline. Affected: yes.
Comment: In silico analysis supports that this missense variant has a deleterious effect on protein structure/function; In-silico analysis is inconclusive as to whether the variant alters gene splicing. In the absence of RNA/functional studies, the actual effect of this sequence change is unknown.; Has not been previously published as pathogenic or benign to our knowledge

NM_001374828.1(ARID1B):c.3329C>T (p.Pro1110Leu)

Gene: ARID1B (AT-rich interaction domain 1B; plus strand). Cytogenetic location: 6q25.3.
Variant type: single nucleotide variant.
Coding change: c.3329C>T on transcript NM_001374828.1 (MANE Select); coding-DNA position 3329, C replaced by T.
Protein change: p.Pro1110Leu; replaces proline 1110 with leucine.
Molecular consequence: missense variant.
Genome position (GRCh38, 1-based): chr6:157,174,101, C>T. VCF-style: chr6-157174101-C-T. GRCh37 (hg19) VCF-style: chr6-157495235-C-T.
Other names: c.3080C>T, p.Pro1027Leu (NM_001346813.1); c.830C>T, p.Pro277Leu (NM_001363725.2); c.3368C>T, p.Pro1123Leu (NM_001371656.1, NM_001374820.1); c.3329C>T, p.Pro1110Leu (NM_017519.3); c.3119C>T, p.Pro1040Leu (NM_020732.3); c.2906C>T, p.Pro969Leu (NM_175863.2); short protein forms P1027L, P1040L, P1110L, P1123L, P277L, P969L.
Identifiers: ClinVar variation 2443650 (VCV002443650.5), dbSNP rs1366974259, ClinGen allele CA366224578.